The following is an entry in ClinVar:

NM_145239.3(PRRT2):c.643C>T (p.Pro215Ser)

Genes: MVP-DT (MVP divergent transcript; minus strand), PRRT2 (proline rich transmembrane protein 2; plus strand). Cytogenetic location: 16p11.2.
Variant type: single nucleotide variant.
Coding change: c.643C>T on transcript NM_145239.3 (MANE Select); coding-DNA position 643, C replaced by T.
Protein change: p.Pro215Ser; replaces proline 215 with serine.
Molecular consequence: missense variant.
Genome position (GRCh38, 1-based): chr16:29,813,697, C>T. VCF-style: chr16-29813697-C-T. GRCh37 (hg19) VCF-style: chr16-29825018-C-T.
Other names: c.643C>T, p.Pro215Ser (NM_001256442.2, NM_001256443.2); c.643C>T (NM_001256442.1); short protein forms P215S.
Identifiers: ClinVar variation 666144 (VCV000666144.23), dbSNP rs374642875, ClinGen allele CA7994562.

ClinVar aggregate classification (germline): Conflicting classifications of pathogenicity. Review status: criteria provided, conflicting classifications (1 of 4 stars). 5 submissions from 5 submitters: Uncertain significance (1); Likely benign (3). 1 of the submissions does not count toward it. Last evaluated 2025-10-01.

Conditions:
PRRT2-Related Disorder. Also called: PRRT2-related disorders. Identifiers: MedGen CN381059.
Inborn genetic diseases. Identifiers: MedGen C0950123, MeSH D030342.
Episodic kinesigenic dyskinesia (EKD). Also called: Paroxysmal kinesigenic dyskinesia. Identifiers: Orphanet 98809, MedGen C1868682, MONDO:0044202.

Allele frequency attached by ClinVar (database versions not stated): ExAC 0.00002; gnomAD exomes 0.00005; gnomAD 0.00006; TOPMed 0.00007; ESP Exome Variant Server 0.00008.

Submissions (5):

CeGaT Center for Human Genetics Tuebingen
Classification: Likely benign. Last evaluated: 2025-10-01. Review status: criteria provided, single submitter. Criteria: CeGaT Center For Human Genetics Tuebingen Variant Classification Criteria Version 2. Collection method: clinical testing. Allele origin: germline. Affected: yes. Observed: 1 variant allele.
Comment: PRRT2: BP4

Labcorp Genetics (formerly Invitae), Labcorp
Classification: Uncertain significance for Episodic kinesigenic dyskinesia. Last evaluated: 2024-10-27. Review status: criteria provided, single submitter. Criteria: Invitae Variant Classification Sherloc (09022015). Collection method: clinical testing. Allele origin: germline.
Comment: This sequence change replaces proline, which is neutral and non-polar, with serine, which is neutral and polar, at codon 215 of the PRRT2 protein (p.Pro215Ser). This variant is present in population databases (rs374642875, gnomAD 0.01%). This variant has not been reported in the literature in individuals affected with PRRT2-related conditions. ClinVar contains an entry for this variant (Variation ID: 666144). Invitae Evidence Modeling of protein sequence and biophysical properties (such as structural, functional, and spatial information, amino acid conservation, physicochemical variation, residue mobility, and thermodynamic stability) indicates that this missense variant is not expected to disrupt PRRT2 protein function with a negative predictive value of 95%. In summary, the available evidence is currently insufficient to determine the role of this variant in disease. Therefore, it has been classified as a Variant of Uncertain Significance.

Ambry Genetics
Classification: Likely benign for Inborn genetic diseases. Last evaluated: 2023-04-12. Review status: criteria provided, single submitter. Criteria: Ambry Variant Classification Scheme 2023. Collection method: clinical testing. Allele origin: germline.

GeneDx
Classification: Likely benign. Last evaluated: 2020-03-11. Review status: criteria provided, single submitter. Criteria: GeneDx Variant Classification Process June 2021. Collection method: clinical testing. Allele origin: germline. Affected: yes.

PreventionGenetics, part of Exact Sciences
Classification: Uncertain significance for PRRT2-related condition. Last evaluated: 2024-01-03. Review status: no assertion criteria provided. Collection method: clinical testing. Allele origin: germline. Not counted in ClinVar's aggregate classification.
Comment: The PRRT2 c.643C>T variant is predicted to result in the amino acid substitution p.Pro215Ser. To our knowledge, this variant has not been reported in the literature. This variant is reported in 0.010% of alleles in individuals of European (Non-Finnish) descent in gnomAD, which is more common than expected for an undocumented cause of disease. Although we suspect that this variant may be benign, at this time, the clinical significance is uncertain due to the absence of conclusive functional and genetic evidence.